The following is an entry in ClinVar:

ClinVar aggregate classification (germline): Likely benign (0 of 4 stars; one submission).

Conditions:
KIDINS220-related disorder. Also called: KIDINS220-related condition.

gnomAD v4.1: 1 of 1,614,178 alleles (0.000062%); highest among the groups gnomAD compares: Admixed American, 0.0017%; no homozygotes.

Submission:

PreventionGenetics, part of Exact Sciences
Classification: Likely benign for KIDINS220-related condition. Last evaluated: 2022-06-07. Review status: no assertion criteria provided. Collection method: clinical testing. Allele origin: germline.
Comment: This variant is classified as likely benign based on ACMG/AMP sequence variant interpretation guidelines (Richards et al. 2015 PMID: 25741868, with internal and published modifications).

NM_020738.4(KIDINS220):c.4713G>A (p.Glu1571=)

Gene: KIDINS220 (kinase D interacting substrate 220; minus strand). Cytogenetic location: 2p25.1.
Variant type: single nucleotide variant.
Coding change: c.4713G>A on transcript NM_020738.4 (MANE Select); coding-DNA position 4713, G replaced by A.
Protein change: p.Glu1571=; no amino-acid change (glutamic acid 1571 retained).
Molecular consequence: synonymous variant. On other transcripts: intron variant (6).
Genome position (GRCh38, 1-based): chr2:8,731,323, C>T on the plus strand (G>A on the coding strand, the complement: KIDINS220 is on the minus strand). VCF-style: chr2-8731323-C-T. GRCh37 (hg19) VCF-style: chr2-8871453-C-T.
Other names: c.4716G>A, p.Glu1572= (NM_001348729.2); c.4659G>A, p.Glu1553= (NM_001348731.2); c.4656G>A, p.Glu1552= (NM_001348732.2); c.4545G>A, p.Glu1515= (NM_001348734.2); c.4542G>A, p.Glu1514= (NM_001348735.2); c.4416G>A, p.Glu1472= (NM_001348736.2); c.3882+2121G>A (NM_001348741.2, NM_001348742.2, NM_001348743.2); c.3996+2121G>A (NM_001348738.2); and 1 more.
Identifiers: ClinVar variation 3354254 (VCV003354254.1).
Genomic context (GRCh38, chr2:8,731,323, plus strand): 5'-ACTGGATCTCACTCCTGAATCCGATGAATCCTTTTTGTCAAGGAGCGCATCCGATAAATA[C>T]TCTTTGGCTTTAATGAAGGTTCTGATCGGCTCAGCACTGTGTTCTGGAGACTTCGGCACT-3'
Protein context (NP_065789.1, residues 1561-1581): EPIRTFIKAK[Glu1571=]YLSDALLDKK